The following is an entry in ClinVar:

NM_020184.4(CNNM4):c.2008C>T (p.Arg670Cys)

Gene: CNNM4 (cyclin and CBS domain divalent metal cation transport mediator 4; plus strand). Cytogenetic location: 2q11.2.
Variant type: single nucleotide variant.
Coding change: c.2008C>T on transcript NM_020184.4 (MANE Select); coding-DNA position 2008, C replaced by T.
Protein change: p.Arg670Cys; replaces arginine 670 with cysteine.
Molecular consequence: missense variant.
Genome position (GRCh38, 1-based): chr2:96,808,620, C>T. VCF-style: chr2-96808620-C-T. GRCh37 (hg19) VCF-style: chr2-97474357-C-T.
Other names: short protein forms R670C.
Identifiers: ClinVar variation 1004993 (VCV001004993.8), dbSNP rs558931421, ClinGen allele CA1783543.
Genomic context (GRCh38, chr2:96,808,620, plus strand): 5'-GACCGTTCCCCAGCACACCCCACCCCACTCAGCCGCTCAGCCTCCCTCAGTTACCCAGAC[C>T]GCACAGACGTCTCAACTGCAGCAACCTTGGCAGGCAGCAGCAACCAGTTTGGCAGCTCTG-3'
Protein context (NP_064569.3, residues 660-680): SRSASLSYPD[Arg670Cys]TDVSTAATLA

ClinVar aggregate classification (germline): Uncertain significance (1 of 4 stars; one submission).

Allele frequency attached by ClinVar (database versions not stated): ExAC 0.00001; gnomAD 0.00001; 1000 Genomes Project 30x 0.00016; 1000 Genomes Project 0.00020.
gnomAD v4.1: 10 of 1,614,150 alleles (0.00062%); highest among the groups gnomAD compares: East Asian, 0.0022%; no homozygotes.

Submission:

Labcorp Genetics (formerly Invitae), Labcorp
Classification: Uncertain significance. Last evaluated: 2020-04-06. Review status: criteria provided, single submitter. Criteria: Invitae Variant Classification Sherloc (09022015). Collection method: clinical testing. Allele origin: germline.
Comment: In summary, the available evidence is currently insufficient to determine the role of this variant in disease. Therefore, it has been classified as a Variant of Uncertain Significance. Algorithms developed to predict the effect of missense changes on protein structure and function are either unavailable or do not agree on the potential impact of this missense change (SIFT: "Tolerated"; PolyPhen-2: "Possibly Damaging"; Align-GVGD: "Class C0"). This variant has not been reported in the literature in individuals with CNNM4-related conditions. This variant is present in population databases (rs558931421, ExAC 0.006%). This sequence change replaces arginine with cysteine at codon 670 of the CNNM4 protein (p.Arg670Cys). The arginine residue is moderately conserved and there is a large physicochemical difference between arginine and cysteine.